The following is an entry in ClinVar:

ClinVar aggregate classification (germline): Conflicting classifications of pathogenicity. Review status: criteria provided, conflicting classifications (1 of 4 stars). 5 submissions from 5 submitters: Uncertain significance (4); Benign (1). Last evaluated 2024-06-27.

Conditions:
Tuberous sclerosis syndrome (TSC). Also called: Tuberous Sclerosis Complex; Tuberous sclerosis. Identifiers: Orphanet 805, MedGen C0041341, MONDO:0001734.
Hereditary cancer-predisposing syndrome. Also called: Neoplastic Syndromes, Hereditary; Tumor predisposition; Hereditary neoplastic syndrome; Hereditary Cancer Syndrome. Identifiers: Orphanet 140162, MedGen C0027672, MeSH D009386, MONDO:0015356.
Tuberous sclerosis 2 (TSC2). Identifiers: Orphanet 805, MedGen C1860707, MONDO:0013199, OMIM 613254.

Allele frequency attached by ClinVar (database versions not stated): ESP Exome Variant Server 0.00008.
gnomAD v4.1: 5 of 1,613,592 alleles (0.00031%); highest among the groups gnomAD compares: Non-Finnish European, 0.00042%; no homozygotes.

Submissions (5):

Ambry Genetics
Classification: Uncertain significance for Hereditary cancer-predisposing syndrome. Last evaluated: 2024-06-27. Review status: criteria provided, single submitter. Criteria: Ambry Variant Classification Scheme 2023. Collection method: clinical testing. Allele origin: germline.
Comment: The p.V564L variant (also known as c.1690G>C), located in coding exon 15 of the TSC2 gene, results from a G to C substitution at nucleotide position 1690. The valine at codon 564 is replaced by leucine, an amino acid with highly similar properties. This amino acid position is well conserved in available vertebrate species. In addition, the in silico prediction for this alteration is inconclusive. Based on the available evidence, the clinical significance of this variant remains unclear.

Color Diagnostics, LLC DBA Color Health
Classification: Uncertain significance for Tuberous sclerosis syndrome. Last evaluated: 2024-03-06. Review status: criteria provided, single submitter. Criteria: ACMG Guidelines, 2015. Collection method: clinical testing. Allele origin: germline.
Comment: This missense variant replaces valine with leucine at codon 564 of the TSC2 protein. Computational prediction is inconclusive regarding the impact of this variant on protein structure and function. To our knowledge, functional studies have not been reported for this variant. This variant has not been reported in individuals affected with tuberous sclerosis complex in the literature. This variant has been identified in 1/250684 chromosomes in the general population by the Genome Aggregation Database (gnomAD). The available evidence is insufficient to determine the role of this variant in disease conclusively. Therefore, this variant is classified as a Variant of Uncertain Significance.

Labcorp Genetics (formerly Invitae), Labcorp
Classification: Benign for Tuberous sclerosis 2. Last evaluated: 2024-01-24. Review status: criteria provided, single submitter. Criteria: Invitae Variant Classification Sherloc (09022015). Collection method: clinical testing. Allele origin: germline.

GeneDx
Classification: Uncertain significance. Last evaluated: 2023-05-31. Review status: criteria provided, single submitter. Criteria: GeneDx Variant Classification Process June 2021. Collection method: clinical testing. Allele origin: germline. Affected: yes.
Comment: In silico analysis supports that this missense variant does not alter protein structure/function; Has not been previously published as pathogenic or benign to our knowledge

All of Us Research Program, National Institutes of Health
Classification: Uncertain significance for Tuberous sclerosis syndrome. Last evaluated: 2023-04-03. Review status: criteria provided, single submitter. Criteria: ACMG Guidelines, 2015. Collection method: clinical testing. Allele origin: germline. Inheritance: Autosomal dominant inheritance. Observed: 1 variant allele, 1 heterozygote.
Comment: This missense variant replaces valine with leucine at codon 564 of the TSC2 protein. Computational prediction is inconclusive regarding the impact of this variant on protein structure and function (internally defined REVEL score threshold 0.5 < inconclusive < 0.7, PMID: 27666373). To our knowledge, functional studies have not been reported for this variant. This variant has not been reported in individuals affected with tuberous sclerosis complex in the literature. This variant has been identified in 1/250684 chromosomes in the general population by the Genome Aggregation Database (gnomAD). The available evidence is insufficient to determine the role of this variant in disease conclusively. Therefore, this variant is classified as a Variant of Uncertain Significance.

This study involves interpretation of variants in research participants for the purpose of population health screening. Participant phenotype was not available at the time of variant classification. Additional details can be found in publication PMID: 35346344, PMCID: PMC8962531

NM_000548.5(TSC2):c.1690G>C (p.Val564Leu)

Gene: TSC2 (TSC complex subunit 2; plus strand). Cytogenetic location: 16p13.3.
Variant type: single nucleotide variant.
Coding change: c.1690G>C on transcript NM_000548.5 (MANE Select); coding-DNA position 1690, G replaced by C.
Protein change: p.Val564Leu; replaces valine 564 with leucine.
Molecular consequence: missense variant.
Genome position (GRCh38, 1-based): chr16:2,065,609, G>C. VCF-style: chr16-2065609-G-C. GRCh37 (hg19) VCF-style: chr16-2115610-G-C.
Other names: c.1690G>C, p.Val564Leu (NM_001077183.3, NM_001114382.3, NM_001363528.2 and 3 more transcripts); c.1579G>C, p.Val527Leu (NM_001318827.2); c.1543G>C, p.Val515Leu (NM_001318829.2); c.1090G>C, p.Val364Leu (NM_001318831.2); c.1723G>C, p.Val575Leu (NM_001318832.2); short protein forms V515L, V527L, V575L, V364L, V564L.
Identifiers: ClinVar variation 1489716 (VCV001489716.13), dbSNP rs147072281, ClinGen allele CA032314.